The following is an entry in ClinVar:

NM_001040142.2(SCN2A):c.1219C>T (p.Leu407=)

Gene: SCN2A (sodium voltage-gated channel alpha subunit 2; plus strand). Cytogenetic location: 2q24.3.
Variant type: single nucleotide variant.
Coding change: c.1219C>T on transcript NM_001040142.2 (MANE Select); coding-DNA position 1219, C replaced by T.
Protein change: p.Leu407=; no amino-acid change (leucine 407 retained).
Molecular consequence: synonymous variant.
Genome position (GRCh38, 1-based): chr2:165,313,944, C>T. VCF-style: chr2-165313944-C-T. GRCh37 (hg19) VCF-style: chr2-166170454-C-T.
Other names: p.L407L:CTG>TTG; c.1219C>T, p.Leu407= (NM_001040143.2, NM_001371246.1, NM_001371247.1 and 1 more transcripts).
Identifiers: ClinVar variation 139026 (VCV000139026.1), dbSNP rs587781155, ClinGen allele CA293279.
Genomic context (GRCh38, chr2:165,313,944, plus strand): 5'-CTCTCTTCCATTTTGCAGACACTACGTGCTGCTGGGAAAACGTACATGATATTTTTTGTG[C>T]TGGTCATTTTCTTGGGCTCATTCTATCTAATAAATTTGATCTTGGCTGTGGTGGCCATGG-3'
Protein context (NP_001035232.1, residues 397-417): AGKTYMIFFV[Leu407=]VIFLGSFYLI

ClinVar aggregate classification (germline): Benign (1 of 4 stars; one submission).

Submission:

GeneDx
Classification: Benign. Last evaluated: 2013-05-28. Review status: criteria provided, single submitter. Criteria: GeneDx Variant Classification (06012015). Collection method: clinical testing. Allele origin: germline. Affected: yes.
Comment: This variant is considered likely benign or benign based on one or more of the following criteria: it is a conservative change, it occurs at a poorly conserved position in the protein, it is predicted to be benign by multiple in silico algorithms, and/or has population frequency not consistent with disease.